The following is an entry in ClinVar:

NM_000747.3(CHRNB1):c.330C>T (p.Leu110=)

Gene: CHRNB1 (cholinergic receptor nicotinic beta 1 subunit; plus strand). Cytogenetic location: 17p13.1.
Variant type: single nucleotide variant.
Coding change: c.330C>T on transcript NM_000747.3 (MANE Select); coding-DNA position 330, C replaced by T.
Protein change: p.Leu110=; no amino-acid change (leucine 110 retained).
Molecular consequence: synonymous variant.
Genome position (GRCh38, 1-based): chr17:7,446,919, C>T. VCF-style: chr17-7446919-C-T. GRCh37 (hg19) VCF-style: chr17-7350238-C-T.
Identifiers: ClinVar variation 3354197 (VCV003354197.1).
Genomic context (GRCh38, chr17:7,446,919, plus strand): 5'-GGACCCTGCGGAGCACGACGGCATCGATTCGCTCCGCATCACGGCGGAATCCGTGTGGCT[C>T]CCTGACGTGGTGCTACTGAACAAGTAGGAGAACTTCCAAAGCCCGGGAGGTGGCGCGGGG-3'
Protein context (NP_000738.2, residues 100-120): SLRITAESVW[Leu110=]PDVVLLNNND

ClinVar aggregate classification (germline): Likely benign (0 of 4 stars; one submission).

Conditions:
CHRNB1-related disorder. Also called: CHRNB1-related condition.

Submission:

PreventionGenetics, part of Exact Sciences
Classification: Likely benign for CHRNB1-related condition. Last evaluated: 2019-05-10. Review status: no assertion criteria provided. Collection method: clinical testing. Allele origin: germline.
Comment: This variant is classified as likely benign based on ACMG/AMP sequence variant interpretation guidelines (Richards et al. 2015 PMID: 25741868, with internal and published modifications).